The following is an entry in ClinVar:

NM_005732.4(RAD50):c.2725A>T (p.Lys909Ter)

Gene: RAD50 (RAD50 double strand break repair protein; plus strand). Cytogenetic location: 5q31.1.
Variant type: single nucleotide variant.
Coding change: c.2725A>T on transcript NM_005732.4 (MANE Select); coding-DNA position 2725, A replaced by T.
Protein change: p.Lys909Ter; replaces lysine 909 with a stop codon.
Molecular consequence: nonsense.
Genome position (GRCh38, 1-based): chr5:132,608,621, A>T. VCF-style: chr5-132608621-A-T. GRCh37 (hg19) VCF-style: chr5-131944313-A-T.
Other names: short protein forms K909*.
Identifiers: ClinVar variation 2125883 (VCV002125883.5), dbSNP rs753673450, ClinGen allele CA360958485.
Genomic context (GRCh38, chr5:132,608,621, plus strand): 5'-CTAAAGTAAGATAATGGAATATTATATAATACTTTATCTTTTTTATATTTTTAGGATGCT[A>T]AAGAGCAGGTAAGCCCTTTGGAAACAACATTGGAAAAGTTCCAGCAAGAAAAAGAAGAAT-3'

ClinVar aggregate classification (germline): Pathogenic/Likely pathogenic. Review status: criteria provided, multiple submitters, no conflicts (2 of 4 stars). 2 submissions from 2 submitters: Pathogenic (1); Likely pathogenic (1). Last evaluated 2022-04-29.

Conditions:
Hereditary cancer-predisposing syndrome. Also called: Hereditary neoplastic syndrome; Tumor predisposition; Hereditary Cancer Syndrome; Neoplastic Syndromes, Hereditary. Identifiers: Orphanet 140162, MedGen C0027672, MeSH D009386, MONDO:0015356.
Nijmegen breakage syndrome-like disorder (NBSLD). Also called: MICROCEPHALY AND SPONTANEOUS CHROMOSOME INSTABILITY WITHOUT IMMUNODEFICIENCY; NBS-LIKE DISORDER; RAD50 DEFICIENCY. Identifiers: Orphanet 240760, MedGen C2751318, MONDO:0013118, OMIM 613078.

Submissions (2):

Baylor Genetics
Classification: Likely pathogenic for Nijmegen breakage syndrome-like disorder. Last evaluated: 2022-04-29. Review status: criteria provided, single submitter. Criteria: ACMG Guidelines, 2015. Collection method: clinical testing. Allele origin: unknown.

Labcorp Genetics (formerly Invitae), Labcorp
Classification: Pathogenic for Hereditary cancer-predisposing syndrome. Last evaluated: 2022-04-13. Review status: criteria provided, single submitter. Criteria: Invitae Variant Classification Sherloc (09022015). Collection method: clinical testing. Allele origin: germline.
Comment: This sequence change creates a premature translational stop signal (p.Lys909*) in the RAD50 gene. It is expected to result in an absent or disrupted protein product. Loss-of-function variants in RAD50 are known to be pathogenic (PMID: 19409520). This variant is not present in population databases (gnomAD no frequency). This variant has not been reported in the literature in individuals affected with RAD50-related conditions. For these reasons, this variant has been classified as Pathogenic.

Literature cited by the submitters: PubMed 19409520 (cited by Labcorp Genetics (formerly Invitae), Labcorp).